The following is an entry in ClinVar:

ClinVar aggregate classification (germline): Uncertain significance (1 of 4 stars; one submission).

Submission:

Labcorp Genetics (formerly Invitae), Labcorp
Classification: Uncertain significance. Last evaluated: 2021-12-12. Review status: criteria provided, single submitter. Criteria: Invitae Variant Classification Sherloc (09022015). Collection method: clinical testing. Allele origin: germline.
Comment: In summary, the available evidence is currently insufficient to determine the role of this variant in disease. Therefore, it has been classified as a Variant of Uncertain Significance. Algorithms developed to predict the effect of missense changes on protein structure and function are either unavailable or do not agree on the potential impact of this missense change (SIFT: "Deleterious"; PolyPhen-2: "Possibly Damaging"; Align-GVGD: "Class C0"). This variant has not been reported in the literature in individuals affected with PLEKHM2-related conditions. This variant is not present in population databases (gnomAD no frequency). This sequence change replaces glutamic acid, which is acidic and polar, with glutamine, which is neutral and polar, at codon 81 of the PLEKHM2 protein (p.Glu81Gln).

NM_015164.4(PLEKHM2):c.241G>C (p.Glu81Gln)

Gene: PLEKHM2 (pleckstrin homology and RUN domain containing M2; plus strand). Cytogenetic location: 1p36.21.
Variant type: single nucleotide variant.
Coding change: c.241G>C on transcript NM_015164.4 (MANE Select); coding-DNA position 241, G replaced by C.
Protein change: p.Glu81Gln; replaces glutamic acid 81 with glutamine.
Molecular consequence: missense variant.
Genome position (GRCh38, 1-based): chr1:15,716,780, G>C. VCF-style: chr1-15716780-G-C. GRCh37 (hg19) VCF-style: chr1-16043275-G-C.
Other names: c.241G>C, p.Glu81Gln (NM_001410755.1); short protein forms E81Q.
Identifiers: ClinVar variation 2040697 (VCV002040697.4), dbSNP rs867591890, ClinGen allele CA338578657.